The following is an entry in ClinVar:

NM_001376013.1(EPB41):c.791G>T (p.Trp264Leu)

Gene: EPB41 (erythrocyte membrane protein band 4.1; plus strand). Cytogenetic location: 1p35.3.
Variant type: single nucleotide variant.
Coding change: c.791G>T on transcript NM_001376013.1 (MANE Select); coding-DNA position 791, G replaced by T.
Protein change: p.Trp264Leu; replaces tryptophan 264 with leucine.
Molecular consequence: missense variant.
Genome position (GRCh38, 1-based): chr1:29,011,869, G>T. VCF-style: chr1-29011869-G-T. GRCh37 (hg19) VCF-style: chr1-29338381-G-T.
Other names: c.791G>T, p.Trp264Leu (NM_001166005.2, NM_001166006.2, NM_001376014.1 and 7 more transcripts); c.164G>T, p.Trp55Leu (NM_001166007.2, NM_001376022.1, NM_001376023.1 and 7 more transcripts); c.686G>T, p.Trp229Leu (NM_203343.3); c.164G>T (NM_004437.3); short protein forms W229L, W264L, W55L.
Identifiers: ClinVar variation 4078591 (VCV004078591.2).

ClinVar aggregate classification (germline): Uncertain significance. Review status: criteria provided, multiple submitters, no conflicts (2 of 4 stars). 2 submissions from 2 submitters: Uncertain significance (2). Last evaluated 2025-10-23.

Conditions:
Elliptocytosis 1 (EL1). Also called: 4.1- TRAIT; 4.1-MINUS TRAIT; ELLIPTOCYTOSIS, RHESUS-LINKED TYPE; PROTEIN 4.1 OF ERYTHROCYTE MEMBRANE, DEFECT OF. Identifiers: Orphanet 288, MedGen C2678497, MONDO:0012731, OMIM 611804.
Inborn genetic diseases. Identifiers: MedGen C0950123, MeSH D030342.

gnomAD v4.1: 8 of 1,614,048 alleles (0.0005%); highest among the groups gnomAD compares: Non-Finnish European, 0.00068%; no homozygotes.

Submissions (2):

Ambry Genetics
Classification: Uncertain significance for Inborn genetic diseases. Last evaluated: 2025-10-23. Review status: criteria provided, single submitter. Criteria: Ambry Variant Classification Scheme 2023. Collection method: clinical testing. Allele origin: germline.
Comment: The c.164G>T (p.W55L) alteration is located in exon 6 (coding exon 3) of the EPB41 gene. This alteration results from a G to T substitution at nucleotide position 164, causing the tryptophan (W) at amino acid position 55 to be replaced by a leucine (L). Based on data from gnomAD, the T allele has an overall frequency of <0.001% (1/251354) total alleles studied. The highest observed frequency was 0.001% (1/113674) of European (non-Finnish) alleles. Based on insufficient or conflicting evidence, the clinical significance of this alteration remains unclear.

Revvity Omics, Revvity
Classification: Uncertain significance for Elliptocytosis 1. Last evaluated: 2023-11-28. Review status: criteria provided, single submitter. Criteria: ACMG Guidelines, 2015. Collection method: clinical testing. Allele origin: germline.